The following is an entry in ClinVar:

ClinVar aggregate classification (germline): Uncertain significance. Review status: criteria provided, multiple submitters, no conflicts (2 of 4 stars). 2 submissions from 2 submitters: Uncertain significance (2). Last evaluated 2020-08-11.

Conditions:
POLD1-related polyposis and colorectal cancer syndrome (CRCS10). Also called: Colorectal cancer, susceptibility to, 10; Colorectal cancer 10; COLORECTAL CANCER, SUSCEPTIBILITY TO, ON CHROMOSOME 19q. Identifiers: Orphanet 220460, MedGen C2675481, MONDO:0012953, OMIM 612591.
Hereditary cancer-predisposing syndrome. Also called: Hereditary Cancer Syndrome; Hereditary neoplastic syndrome; Neoplastic Syndromes, Hereditary; Tumor predisposition. Identifiers: Orphanet 140162, MedGen C0027672, MeSH D009386, MONDO:0015356.

Submissions (2):

Labcorp Genetics (formerly Invitae), Labcorp
Classification: Uncertain significance for POLD1-related polyposis and colorectal cancer syndrome. Last evaluated: 2020-08-11. Review status: criteria provided, single submitter. Criteria: Invitae Variant Classification Sherloc (09022015). Collection method: clinical testing. Allele origin: germline.
Comment: In summary, the available evidence is currently insufficient to determine the role of this variant in disease. Therefore, it has been classified as a Variant of Uncertain Significance. Algorithms developed to predict the effect of missense changes on protein structure and function are either unavailable or do not agree on the potential impact of this missense change (SIFT: "Deleterious"; PolyPhen-2: "Probably Damaging"; Align-GVGD: "Class C0"). This variant has not been reported in the literature in individuals with POLD1-related conditions. ClinVar contains an entry for this variant (Variation ID: 823580). This variant is not present in population databases (ExAC no frequency). This sequence change replaces aspartic acid with asparagine at codon 332 of the POLD1 protein (p.Asp332Asn). The aspartic acid residue is highly conserved and there is a small physicochemical difference between aspartic acid and asparagine.

Ambry Genetics
Classification: Uncertain significance for Hereditary cancer-predisposing syndrome. Last evaluated: 2018-06-15. Review status: criteria provided, single submitter. Criteria: Ambry Variant Classification Scheme 2023. Collection method: clinical testing. Allele origin: germline.
Comment: The p.D332N variant (also known as c.994G>A), located in coding exon 8 of the POLD1 gene, results from a G to A substitution at nucleotide position 994. The aspartic acid at codon 332 is replaced by asparagine, an amino acid with highly similar properties. This amino acid position is highly conserved in available vertebrate species. In addition, this alteration is predicted to be tolerated by in silico analysis. Since supporting evidence is limited at this time, the clinical significance of this alteration remains unclear.

NM_002691.4(POLD1):c.994G>A (p.Asp332Asn)

Gene: POLD1 (DNA polymerase delta 1, catalytic subunit; plus strand). Cytogenetic location: 19q13.33.
Variant type: single nucleotide variant.
Coding change: c.994G>A on transcript NM_002691.4 (MANE Select); coding-DNA position 994, G replaced by A.
Protein change: p.Asp332Asn; replaces aspartic acid 332 with asparagine.
Molecular consequence: missense variant. On other transcripts: non-coding transcript variant (1).
Genome position (GRCh38, 1-based): chr19:50,403,076, G>A. VCF-style: chr19-50403076-G-A. GRCh37 (hg19) VCF-style: chr19-50906333-G-A.
Other names: c.994G>A, p.Asp332Asn (NM_001256849.1, NM_001308632.1); short protein forms D332N.
Identifiers: ClinVar variation 823580 (VCV000823580.13), dbSNP rs1601204080, ClinGen allele CA406977824.
Genomic context (GRCh38, chr19:50,403,076, plus strand): 5'-GGCAGGAGTCAGGCCCCTGCATCCTCCTGCCTCGCAGGCATCTTCCCTGAGCCTGAGCGG[G>A]ACCCTGTCATCCAGATCTGCTCGCTGGGCCTGCGCTGGGGGGAGCCGGAGCCCTTCCTAC-3'
Protein context (NP_002682.2, residues 322-342): RKGIFPEPER[Asp332Asn]PVIQICSLGL